The following is an entry in ClinVar:

NM_016219.5(MAN1B1):c.1950C>T (p.Pro650=)

Gene: MAN1B1 (mannosidase alpha class 1B member 1; plus strand). Cytogenetic location: 9q34.3.
Variant type: single nucleotide variant.
Coding change: c.1950C>T on transcript NM_016219.5 (MANE Select); coding-DNA position 1950, C replaced by T.
Protein change: p.Pro650=; no amino-acid change (proline 650 retained).
Molecular consequence: synonymous variant. On other transcripts: non-coding transcript variant (2).
Genome position (GRCh38, 1-based): chr9:137,108,441, C>T. VCF-style: chr9-137108441-C-T. GRCh37 (hg19) VCF-style: chr9-140002893-C-T.
Identifiers: ClinVar variation 435810 (VCV000435810.58), dbSNP rs377461918, ClinGen allele CA5359527.

ClinVar aggregate classification (germline): Conflicting classifications of pathogenicity. Review status: criteria provided, conflicting classifications (1 of 4 stars). 6 submissions from 6 submitters: Uncertain significance (1); Likely benign (5). Last evaluated 2025-12-01.

Conditions:
Inborn genetic diseases. Identifiers: MedGen C0950123, MeSH D030342.
Rafiq syndrome (RAFQS). Identifiers: Orphanet 88616, MedGen C3280127, MONDO:0013624, OMIM 614202.

Allele frequency attached by ClinVar (database versions not stated): ESP Exome Variant Server 0.00008; TOPMed 0.00011; gnomAD 0.00012 and 0.00013; ExAC 0.00014.
gnomAD v4.1: 190 of 1,613,828 alleles (0.012%); highest among the groups gnomAD compares: Middle Eastern, 0.049%; no homozygotes.

Submissions (6):

CeGaT Center for Human Genetics Tuebingen
Classification: Likely benign. Last evaluated: 2025-12-01. Review status: criteria provided, single submitter. Criteria: CeGaT Center For Human Genetics Tuebingen Variant Classification Criteria Version 2. Collection method: clinical testing. Allele origin: germline. Affected: yes. Observed: 3 variant alleles.
Comment: MAN1B1: BS2

Labcorp Genetics (formerly Invitae), Labcorp
Classification: Likely benign for Rafiq syndrome. Last evaluated: 2025-03-16. Review status: criteria provided, single submitter. Criteria: Invitae Variant Classification Sherloc (09022015). Collection method: clinical testing. Allele origin: germline.

Blueprint Genetics
Classification: Likely benign. Last evaluated: 2024-11-26. Review status: criteria provided, single submitter. Criteria: ACMG Guidelines, 2015. Collection method: clinical testing. Allele origin: germline.

Illumina Laboratory Services, Illumina
Classification: Uncertain significance for Rafiq syndrome. Last evaluated: 2018-01-13. Review status: criteria provided, single submitter. Criteria: ICSL Variant Classification Criteria 13 December 2019. Collection method: clinical testing. Allele origin: germline.

Ambry Genetics
Classification: Likely benign for Inborn genetic diseases. Last evaluated: 2016-11-16. Review status: criteria provided, single submitter. Criteria: Ambry Variant Classification Scheme 2023. Collection method: clinical testing. Allele origin: germline.

Genetic Services Laboratory, University of Chicago
Classification: Likely benign. Last evaluated: 2016-06-30. Review status: criteria provided, single submitter. Criteria: ACMG Guidelines, 2015. Collection method: clinical testing. Allele origin: germline. Affected: no.